The following is an entry in ClinVar:

NM_001146227.3(RPS20):c.339C>A (p.Ile113=)

Gene: RPS20 (ribosomal protein S20; minus strand). Cytogenetic location: 8q12.1.
Variant type: single nucleotide variant.
Coding change: c.339C>A on transcript NM_001146227.3; coding-DNA position 339, C replaced by A.
Protein change: p.Ile113=; no amino-acid change (isoleucine 113 retained).
Molecular consequence: synonymous variant.
Genome position (GRCh38, 1-based): chr8:56,069,828, G>T on the plus strand (C>A on the coding strand, the complement: RPS20 is on the minus strand). VCF-style: chr8-56069828-G-T. GRCh37 (hg19) VCF-style: chr8-56982387-G-T.
Identifiers: ClinVar variation 5042185 (VCV005042185.1).

ClinVar aggregate classification (germline): Benign (1 of 4 stars; one submission).

Conditions:
Familial colorectal cancer type X. Identifiers: Orphanet 440437, MedGen C3896578, MONDO:0018604.

gnomAD v4.1: 8 of 1,471,616 alleles (0.00054%); highest among the groups gnomAD compares: African/African-American, 0.0084%; no homozygotes.

Submission:

Myriad Genetics, Inc.
Classification: Benign for Familial colorectal cancer type X. Last evaluated: 2026-08-04. Review status: criteria provided, single submitter. Criteria: Myriad Autosomal Dominant, Autosomal Recessive and X-Linked Classification Criteria (2023). Collection method: clinical testing. Allele origin: unknown.
Comment: This variant is considered benign. This variant is a silent/synonymous amino acid change and it is not expected to impact splicing.